The following is an entry in ClinVar:

NM_014251.3(SLC25A13):c.1336A>C (p.Thr446Pro)

Gene: SLC25A13 (solute carrier family 25 member 13; minus strand). Cytogenetic location: 7q21.3.
Variant type: single nucleotide variant.
Coding change: c.1336A>C on transcript NM_014251.3 (MANE Select); coding-DNA position 1336, A replaced by C.
Protein change: p.Thr446Pro; replaces threonine 446 with proline.
Molecular consequence: missense variant. On other transcripts: non-coding transcript variant (1).
Genome position (GRCh38, 1-based): chr7:96,146,672, T>G on the plus strand (A>C on the coding strand, the complement: SLC25A13 is on the minus strand). VCF-style: chr7-96146672-T-G. GRCh37 (hg19) VCF-style: chr7-95775984-T-G.
Other names: c.1339A>C, p.Thr447Pro (NM_001160210.2); c.1336A>C (NM_014251.2); short protein forms T446P, T447P.
Identifiers: ClinVar variation 813454 (VCV000813454.10), dbSNP rs200237622, ClinGen allele CA4352955.

ClinVar aggregate classification (germline): Conflicting classifications of pathogenicity. Review status: criteria provided, conflicting classifications (1 of 4 stars). 6 submissions from 6 submitters: Likely pathogenic (4); Uncertain significance (1). 1 of the submissions does not count toward it. Last evaluated 2025-11-16.

Conditions:
Citrullinemia. Identifiers: Orphanet 187, MedGen C0175683, MONDO:0015991.
Neonatal intrahepatic cholestasis due to citrin deficiency (CDNI). Also called: CITRIN DEFICIENCY, NEONATAL OR INFANTILE ONSET; Neonatal-onset citrullinemia type II; Neonatal-onset citrullinemia type 2; Neonatal Intrahepatic Cholestasis Caused by Citrin Deficiency (NICCD). Identifiers: Orphanet 247598, MedGen C1853942, MONDO:0011601, OMIM 605814.
SLC25A13-related disorder. Also called: SLC25A13-related condition.
Citrullinemia, type II, adult-onset (CDAA). Also called: CITRIN DEFICIENCY, ADOLESCENT OR ADULT ONSET. Identifiers: Orphanet 247585, MedGen CN295299, MONDO:0011326, OMIM 603471.
Citrin deficiency. Identifiers: Orphanet 247582, MedGen C1997910, MONDO:0016602.

Allele frequency attached by ClinVar (database versions not stated): gnomAD 0.00004 and 0.00003; TOPMed 0.00004; gnomAD exomes 0.00008; ExAC 0.00003.
gnomAD v4.1: 56 of 1,613,920 alleles (0.0035%); highest among the groups gnomAD compares: Admixed American, 0.005%; no homozygotes.

Submissions (6):

Labcorp Genetics (formerly Invitae), Labcorp
Classification: Likely pathogenic for Citrin deficiency. Last evaluated: 2025-11-16. Review status: criteria provided, single submitter. Criteria: Invitae Variant Classification Sherloc (09022015). Collection method: clinical testing. Allele origin: germline.
Comment: This sequence change replaces threonine, which is neutral and polar, with proline, which is neutral and non-polar, at codon 446 of the SLC25A13 protein (p.Thr446Pro). This variant is present in population databases (rs200237622, gnomAD 0.2%). This missense change has been observed in individual(s) with citrin deficiency (PMID: 18392553). In at least one individual the data is consistent with being in trans (on the opposite chromosome) from a pathogenic variant. ClinVar contains an entry for this variant (Variation ID: 813454). Invitae Evidence Modeling of protein sequence and biophysical properties (such as structural, functional, and spatial information, amino acid conservation, physicochemical variation, residue mobility, and thermodynamic stability) indicates that this missense variant is expected to disrupt SLC25A13 protein function with a positive predictive value of 95%. In summary, the currently available evidence indicates that the variant is pathogenic, but additional data are needed to prove that conclusively. Therefore, this variant has been classified as Likely Pathogenic.

Natera, Inc.
Classification: Likely pathogenic for Citrullinemia. Last evaluated: 2025-10-31. Review status: criteria provided, single submitter. Criteria: Natera Variant Classification Schema (03/2026). Collection method: clinical testing. Allele origin: germline.
Comment: The c.1336A>C variant in SLC25A13 is a missense variant predicted to cause substitution of threonine to proline at amino acid 446. This variant is rare in the general population with a frequency below the threshold expected for the associated phenotype(s). This variant has been observed in one or more individuals affected with the associated recessive disease, as either homozygous or compound heterozygous with a second variant (PMID: 33190319, 18392553). Additionally, this variant has been observed to segregate in affected family members (PMID: 33190319). Computational prediction algorithms indicate this variant is likely to affect gene or protein function. Given the available evidence, this variant is classified as Likely Pathogenic.

Fulgent Genetics
Classification: Likely pathogenic for Citrullinemia, type II, adult-onset; Neonatal intrahepatic cholestasis due to citrin deficiency. Last evaluated: 2024-06-01. Review status: criteria provided, single submitter. Criteria: ACMG Guidelines, 2015. Collection method: clinical testing. Allele origin: germline.

GeneDx
Classification: Uncertain significance. Last evaluated: 2024-02-22. Review status: criteria provided, single submitter. Criteria: GeneDx Variant Classification Process June 2021. Collection method: clinical testing. Allele origin: germline. Affected: yes.
Comment: Reported in a patient with citrin deficiency in published literature (PMID: 18392553); In silico analysis supports that this missense variant has a deleterious effect on protein structure/function; This variant is associated with the following publications: (PMID: 24069319, 18392553)

Baylor Genetics
Classification: Likely pathogenic for Neonatal intrahepatic cholestasis due to citrin deficiency. Review status: criteria provided, single submitter. Criteria: ACMG Guidelines, 2015. Collection method: clinical testing. Allele origin: germline.

PreventionGenetics, part of Exact Sciences
Classification: Uncertain significance for SLC25A13-related condition. Last evaluated: 2024-09-19. Review status: no assertion criteria provided. Collection method: clinical testing. Allele origin: germline. Not counted in ClinVar's aggregate classification.
Comment: The SLC25A13 c.1336A>C variant is predicted to result in the amino acid substitution p.Thr446Pro. This variant was reported in an individual with citrin deficiency (Table 1, Tabata et al 2008. PubMed ID: 18392553). This variant is reported in 0.16% of alleles in individuals of Ashkenazi Jewish descent in gnomAD. At this time, the clinical significance of this variant is uncertain due to the absence of conclusive functional and genetic evidence.

Literature cited by the submitters: PubMed 18392553 (cited by Labcorp Genetics (formerly Invitae), Labcorp and Natera, Inc.); PubMed 33190319 (cited by Natera, Inc.).